The following is an entry in ClinVar:

NM_005859.5(PURA):c.783C>G (p.Tyr261Ter)

Gene: PURA (purine rich element binding protein A; plus strand). Cytogenetic location: 5q31.3.
Variant type: single nucleotide variant.
Coding change: c.783C>G on transcript NM_005859.5 (MANE Select); coding-DNA position 783, C replaced by G.
Protein change: p.Tyr261Ter; replaces tyrosine 261 with a stop codon.
Molecular consequence: nonsense.
Genome position (GRCh38, 1-based): chr5:140,114,964, C>G. VCF-style: chr5-140114964-C-G. GRCh37 (hg19) VCF-style: chr5-139494549-C-G.
Other names: short protein forms Y261*.
Identifiers: ClinVar variation 156409 (VCV000156409.3), dbSNP rs587782997, ClinGen allele CA249898.

ClinVar aggregate classification (germline): Pathogenic. Review status: criteria provided, multiple submitters, no conflicts (2 of 4 stars). 3 submissions from 3 submitters: Pathogenic (2). 1 of the submissions does not count toward it. Last evaluated 2024-05-31.

Conditions:
Global developmental delay (DD). Also called: Cognitive delay. Identifiers: MedGen C0557874, HP:0001263. Disease mechanism: loss of function.
Delayed speech and language development. Also called: Language delay. Identifiers: MedGen C0454644, HP:0000750.
Seizure. Also called: Seizures. Identifiers: MedGen C0036572, HP:0001250.
Neonatal hypotonia. Identifiers: MedGen C2267233, HP:0001319.
Intellectual disability. Also called: Intellectual developmental disorder; Intellectual functioning disability; intellectual disabilities. Identifiers: MedGen C3714756, MeSH D008607, MONDO:0001071, HP:0001249.

Submissions (3):

GeneDx
Classification: Pathogenic. Last evaluated: 2024-05-31. Review status: criteria provided, single submitter. Criteria: GeneDx Variant Classification Process June 2021. Collection method: clinical testing. Allele origin: germline. Affected: yes.
Comment: Nonsense variant predicted to result in protein truncation, as the last 62 amino acids are lost, and other loss-of-function variants have been reported downstream in HGMD; Not observed at significant frequency in large population cohorts (gnomAD); This variant is associated with the following publications: (PMID: 27148565, 33633953, 25439098, 33446253)

Cambridge Genomics Laboratory, East Genomic Laboratory Hub, NHS Genomic Medicine Service
Classification: Pathogenic for Intellectual disability. Last evaluated: 2020-01-27. Review status: criteria provided, single submitter. Criteria: ACGS Best Practice Guidelines for Variant Classification in Rare Disease 2020. Collection method: clinical testing. Allele origin: germline. Affected: yes. Observed: 1 variant allele.

Whole genome laboratory; Baylor College of Medicine
Classification: Pathogenic for Neonatal hypotonia; Delayed speech and language development; Intellectual disability; Global developmental delay; Seizures. Last evaluated: 2014-09-15. Review status: no assertion criteria provided. Collection method: clinical testing. Allele origin: germline. Affected: yes. Observed: 1 variant allele. Study: Clinical exome sequencing test. Not counted in ClinVar's aggregate classification.
Comment: Sporadic neonatal hypotonia, developmental delay, speech impairment, sleep apnea, and intellectual disability